The following is an entry in ClinVar:

NM_144997.7(FLCN):c.811G>A (p.Glu271Lys)

Gene: FLCN (folliculin; minus strand). Cytogenetic location: 17p11.2.
Variant type: single nucleotide variant.
Coding change: c.811G>A on transcript NM_144997.7 (MANE Select); coding-DNA position 811, G replaced by A.
Protein change: p.Glu271Lys; replaces glutamic acid 271 with lysine.
Molecular consequence: missense variant.
Genome position (GRCh38, 1-based): chr17:17,221,597, C>T on the plus strand (G>A on the coding strand, the complement: FLCN is on the minus strand). VCF-style: chr17-17221597-C-T. GRCh37 (hg19) VCF-style: chr17-17124911-C-T.
Other names: c.865G>A, p.Glu289Lys (NM_001353229.2); c.811G>A, p.Glu271Lys (NM_001353230.2, NM_001353231.2, NM_144606.7); short protein forms E289K, E271K.
Identifiers: ClinVar variation 946308 (VCV000946308.11), dbSNP rs2047091792, ClinGen allele CA398533743.

ClinVar aggregate classification (germline): Uncertain significance. Review status: criteria provided, multiple submitters, no conflicts (2 of 4 stars). 3 submissions from 3 submitters: Uncertain significance (3). Last evaluated 2025-05-05.

Conditions:
Hereditary cancer-predisposing syndrome. Also called: Neoplastic Syndromes, Hereditary; Hereditary neoplastic syndrome; Hereditary Cancer Syndrome; Tumor predisposition. Identifiers: Orphanet 140162, MedGen C0027672, MeSH D009386, MONDO:0015356.
Birt-Hogg-Dube syndrome. Also called: Birt Hogg Dubé syndrome. Identifiers: Orphanet 122, MedGen C0346010, MONDO:0800444.

Allele frequency attached by ClinVar (database versions not stated): gnomAD exomes below 0.00001.
gnomAD v4.1: 1 of 1,609,978 alleles (0.000062%); highest among the groups gnomAD compares: Non-Finnish European, 0.000085%; no homozygotes.

Submissions (3):

Ambry Genetics
Classification: Uncertain significance for Hereditary cancer-predisposing syndrome. Last evaluated: 2025-05-05. Review status: criteria provided, single submitter. Criteria: Ambry Variant Classification Scheme 2023. Collection method: clinical testing. Allele origin: germline.
Comment: The p.E271K variant (also known as c.811G>A), located in coding exon 5 of the FLCN gene, results from a G to A substitution at nucleotide position 811. The glutamic acid at codon 271 is replaced by lysine, an amino acid with similar properties. This amino acid position is highly conserved in available vertebrate species. In addition, this alteration is predicted to be deleterious by in silico analysis. Since supporting evidence is limited at this time, the clinical significance of this alteration remains unclear.

Labcorp Genetics (formerly Invitae), Labcorp
Classification: Uncertain significance for Birt-Hogg-Dube syndrome. Last evaluated: 2024-08-14. Review status: criteria provided, single submitter. Criteria: Invitae Variant Classification Sherloc (09022015). Collection method: clinical testing. Allele origin: germline.
Comment: This sequence change replaces glutamic acid, which is acidic and polar, with lysine, which is basic and polar, at codon 271 of the FLCN protein (p.Glu271Lys). This variant is not present in population databases (gnomAD no frequency). This missense change has been observed in individual(s) with BHD syndrome (PMID: 33057194). ClinVar contains an entry for this variant (Variation ID: 946308). Invitae Evidence Modeling of protein sequence and biophysical properties (such as structural, functional, and spatial information, amino acid conservation, physicochemical variation, residue mobility, and thermodynamic stability) indicates that this missense variant is expected to disrupt FLCN protein function with a positive predictive value of 80%. In summary, the available evidence is currently insufficient to determine the role of this variant in disease. Therefore, it has been classified as a Variant of Uncertain Significance.

Baylor Genetics
Classification: Uncertain significance for Birt-Hogg-Dube syndrome 1. Last evaluated: 2023-09-21. Review status: criteria provided, single submitter. Criteria: ACMG Guidelines, 2015. Collection method: clinical testing. Allele origin: unknown.

Literature cited by the submitters: PubMed 33057194 (cited by Labcorp Genetics (formerly Invitae), Labcorp).